The following is an entry in ClinVar:

ClinVar aggregate classification (germline): Likely benign (1 of 4 stars; one submission).

gnomAD v4.1: 25 of 1,614,200 alleles (0.0015%); highest among the groups gnomAD compares: Non-Finnish European, 0.0019%; no homozygotes.

Submission:

CeGaT Center for Human Genetics Tuebingen
Classification: Likely benign. Last evaluated: 2026-07-01. Review status: criteria provided, single submitter. Criteria: CeGaT Center For Human Genetics Tuebingen Variant Classification Criteria Version 2. Collection method: clinical testing. Allele origin: germline. Affected: yes. Observed: 1 variant allele.
Comment: AFF3: BP4, BP7

NM_001386135.1(AFF3):c.678G>A (p.Leu226=)

Gene: AFF3 (ALF transcription elongation factor 3; minus strand). Cytogenetic location: 2q11.2.
Variant type: single nucleotide variant.
Coding change: c.678G>A on transcript NM_001386135.1 (MANE Select); coding-DNA position 678, G replaced by A.
Protein change: p.Leu226=; no amino-acid change (leucine 226 retained).
Molecular consequence: synonymous variant.
Genome position (GRCh38, 1-based): chr2:100,006,827, C>T on the plus strand (G>A on the coding strand, the complement: AFF3 is on the minus strand). VCF-style: chr2-100006827-C-T. GRCh37 (hg19) VCF-style: chr2-100623289-C-T.
Other names: c.753G>A, p.Leu251= (NM_001025108.2); c.678G>A, p.Leu226= (NM_002285.3).
Identifiers: ClinVar variation 5039523 (VCV005039523.1).